The following is an entry in ClinVar:

NM_001372.4(DNAH9):c.7336C>T (p.Pro2446Ser)

Gene: DNAH9 (dynein axonemal heavy chain 9; plus strand). Cytogenetic location: 17p12.
Variant type: single nucleotide variant.
Coding change: c.7336C>T on transcript NM_001372.4 (MANE Select); coding-DNA position 7336, C replaced by T.
Protein change: p.Pro2446Ser; replaces proline 2446 with serine.
Molecular consequence: missense variant.
Genome position (GRCh38, 1-based): chr17:11,768,618, C>T. VCF-style: chr17-11768618-C-T. GRCh37 (hg19) VCF-style: chr17-11671935-C-T.
Other names: short protein forms P2446S.
Identifiers: ClinVar variation 5000050 (VCV005000050.1).
Genomic context (GRCh38, chr17:11,768,618, plus strand): 5'-ACCAAGAAATTCGAGCCTTGGTCCAAGCTCGTCCCCCAGTTCGAATTTGACCCCGAGATG[C>T]CCTTGCAGGTGAGTGCAGCTGAGCAGCCGAGGACGTGCGTGCAGTTGCCCTCAAGGATCT-3'
Protein context (NP_001363.2, residues 2436-2456): VPQFEFDPEM[Pro2446Ser]LQACLVHTSE

ClinVar aggregate classification (germline): Uncertain significance (1 of 4 stars; one submission).

Conditions:
DNAH9-related disorder. Also called: DNAH9-related condition.

gnomAD v4.1: 3 of 1,613,936 alleles (0.00019%); highest among the groups gnomAD compares: Admixed American, 0.005%; no homozygotes.

Submission:

PreventionGenetics, part of Exact Sciences
Classification: Uncertain significance for DNAH9-related condition. Last evaluated: 2025-03-27. Review status: criteria provided, single submitter. Criteria: ACMG Guidelines, 2015. Collection method: clinical testing. Allele origin: germline.
Comment: The DNAH9 c.7336C>T variant is predicted to result in the amino acid substitution p.Pro2446Ser. To our knowledge, this variant has not been reported in the literature. This variant is reported in 0.0087% of alleles in individuals of Latino descent in gnomAD. At this time, the clinical significance of this variant is uncertain due to the absence of conclusive functional and genetic evidence.